The following is an entry in ClinVar:

ClinVar aggregate classification (germline): Uncertain significance. Review status: criteria provided, multiple submitters, no conflicts (2 of 4 stars). 3 submissions from 3 submitters: Uncertain significance (3). Last evaluated 2025-11-04.

Conditions:
POLD1-related polyposis and colorectal cancer syndrome (CRCS10). Also called: Colorectal cancer 10; COLORECTAL CANCER, SUSCEPTIBILITY TO, ON CHROMOSOME 19q; Colorectal cancer, susceptibility to, 10. Identifiers: Orphanet 220460, MedGen C2675481, MONDO:0012953, OMIM 612591.
Hereditary cancer-predisposing syndrome. Also called: Neoplastic Syndromes, Hereditary; Hereditary neoplastic syndrome; Tumor predisposition; Hereditary Cancer Syndrome. Identifiers: Orphanet 140162, MedGen C0027672, MeSH D009386, MONDO:0015356.

Submissions (3):

Labcorp Genetics (formerly Invitae), Labcorp
Classification: Uncertain significance for POLD1-related polyposis and colorectal cancer syndrome. Last evaluated: 2025-11-04. Review status: criteria provided, single submitter. Criteria: Invitae Variant Classification Sherloc (09022015). Collection method: clinical testing. Allele origin: germline.
Comment: This sequence change replaces alanine, which is neutral and non-polar, with serine, which is neutral and polar, at codon 929 of the POLD1 protein (p.Ala929Ser). This variant is not present in population databases (gnomAD no frequency). This variant has not been reported in the literature in individuals affected with POLD1-related conditions. ClinVar contains an entry for this variant (Variation ID: 469299). Invitae Evidence Modeling of protein sequence and biophysical properties (such as structural, functional, and spatial information, amino acid conservation, physicochemical variation, residue mobility, and thermodynamic stability) indicates that this missense variant is not expected to disrupt POLD1 protein function with a negative predictive value of 80%. In summary, the available evidence is currently insufficient to determine the role of this variant in disease. Therefore, it has been classified as a Variant of Uncertain Significance.

Ambry Genetics
Classification: Uncertain significance for Hereditary cancer-predisposing syndrome. Last evaluated: 2024-07-05. Review status: criteria provided, single submitter. Criteria: Ambry Variant Classification Scheme 2023. Collection method: clinical testing. Allele origin: germline.
Comment: The p.A929S variant (also known as c.2785G>T), located in coding exon 21 of the POLD1 gene, results from a G to T substitution at nucleotide position 2785. The alanine at codon 929 is replaced by serine, an amino acid with similar properties. This amino acid position is conserved. In addition, this alteration is predicted to be tolerated by in silico analysis. Based on the available evidence, the clinical significance of this variant remains unclear.

GeneDx
Classification: Uncertain significance. Last evaluated: 2019-09-25. Review status: criteria provided, single submitter. Criteria: GeneDx Variant Classification Process June 2021. Collection method: clinical testing. Allele origin: germline. Affected: yes.
Comment: Not observed in large population cohorts (Lek 2016); In silico analysis, which includes protein predictors and evolutionary conservation, supports that this variant does not alter protein structure/function; Has not been previously published as pathogenic or benign to our knowledge

NM_002691.4(POLD1):c.2785G>T (p.Ala929Ser)

Gene: POLD1 (DNA polymerase delta 1, catalytic subunit; plus strand). Cytogenetic location: 19q13.33.
Variant type: single nucleotide variant.
Coding change: c.2785G>T on transcript NM_002691.4 (MANE Select); coding-DNA position 2785, G replaced by T.
Protein change: p.Ala929Ser; replaces alanine 929 with serine.
Molecular consequence: missense variant.
Genome position (GRCh38, 1-based): chr19:50,415,791, G>T. VCF-style: chr19-50415791-G-T. GRCh37 (hg19) VCF-style: chr19-50919048-G-T.
Other names: c.2785G>T, p.Ala929Ser (LRG_785t1, NM_001256849.1); c.2863G>T, p.Ala955Ser (LRG_785t2, NM_001308632.1); c.2785G>T (NM_002691.2); short protein forms A929S, A955S.
Identifiers: ClinVar variation 469299 (VCV000469299.12), dbSNP rs1555793166, ClinGen allele CA406986024.